The following is an entry in ClinVar:

NM_015046.7(SETX):c.4291C>G (p.Pro1431Ala)

Gene: SETX (senataxin; minus strand). Cytogenetic location: 9q34.13.
Variant type: single nucleotide variant.
Coding change: c.4291C>G on transcript NM_015046.7 (MANE Select); coding-DNA position 4291, C replaced by G.
Protein change: p.Pro1431Ala; replaces proline 1431 with alanine.
Molecular consequence: missense variant.
Genome position (GRCh38, 1-based): chr9:132,327,307, G>C on the plus strand (C>G on the coding strand, the complement: SETX is on the minus strand). VCF-style: chr9-132327307-G-C. GRCh37 (hg19) VCF-style: chr9-135202694-G-C.
Other names: c.4291C>G, p.Pro1431Ala (NM_001351527.2, NM_001351528.2); short protein forms P1431A.
Identifiers: ClinVar variation 1311415 (VCV001311415.14), dbSNP rs371541705, ClinGen allele CA5297229.
Genomic context (GRCh38, chr9:132,327,307, plus strand): 5'-CTGTTCCATTTAACACTACAGAATCACACTGGTTCAAAGGGCAAGCATCATCAGTTGCTG[G>C]AGACCCATGTTTTGCTTTTATGGTTTCTGGTTCAGAAGGCATGCATTTTATTAACTGTTT-3'
Protein context (NP_055861.3, residues 1421-1441): PETIKAKHGS[Pro1431Ala]ATDDACPLNQ

ClinVar aggregate classification (germline): Conflicting classifications of pathogenicity. Review status: criteria provided, conflicting classifications (1 of 4 stars). 7 submissions from 6 submitters: Uncertain significance (6); Benign (1). Last evaluated 2026-08-10.

Conditions:
SETX-related disorder. Also called: SETX-related condition; SETX-related disorders. Identifiers: MedGen CN239403.
Inborn genetic diseases. Identifiers: MedGen C0950123, MeSH D030342.
Amyotrophic lateral sclerosis type 4 (ALS4). Also called: AMYOTROPHIC LATERAL SCLEROSIS 4, JUVENILE; NEURONOPATHY, DISTAL HEREDITARY MOTOR, WITH PYRAMIDAL FEATURES. Identifiers: Orphanet 357043, MedGen C1865409, MONDO:0011223, OMIM 602433.
Spinocerebellar ataxia, autosomal recessive, with axonal neuropathy 2 (SCAN2). Also called: Ataxia-ocular apraxia-2; Ataxia with Oculomotor Apraxia; Ataxia with Oculomotor Apraxia Type 2; ATAXIA-OCULOMOTOR APRAXIA 2. Identifiers: Orphanet 64753, MedGen C1853761, MONDO:0018996, OMIM 606002.

Allele frequency attached by ClinVar (database versions not stated): gnomAD 0.00003; TOPMed 0.00003; ExAC 0.00017; ESP Exome Variant Server 0.00023.
gnomAD v4.1: 93 of 1,614,048 alleles (0.0058%); highest among the groups gnomAD compares: Non-Finnish European, 0.0077%; no homozygotes.

Submissions (7):

PreventionGenetics, part of Exact Sciences
Classification: Uncertain significance for SETX-related condition. Last evaluated: 2026-08-10. Review status: criteria provided, single submitter. Criteria: ACMG Guidelines, 2015. Collection method: clinical testing. Allele origin: germline.
Comment: The SETX c.4291C>G variant is predicted to result in the amino acid substitution p.Pro1431Ala. To our knowledge, this variant has not been reported in the literature. This variant is reported in 0.019% of alleles in individuals of European (non-Finnish) descent in gnomAD. At this time, the clinical significance of this variant is uncertain due to the absence of conclusive functional and genetic evidence.

Labcorp Genetics (formerly Invitae), Labcorp
Classification: Benign for Amyotrophic lateral sclerosis type 4; Spinocerebellar ataxia, autosomal recessive, with axonal neuropathy 2. Last evaluated: 2025-12-01. Review status: criteria provided, single submitter. Criteria: Invitae Variant Classification Sherloc (09022015). Collection method: clinical testing. Allele origin: germline.

Blueprint Genetics
Classification: Uncertain significance. Last evaluated: 2024-11-17. Review status: criteria provided, single submitter. Criteria: ACMG Guidelines, 2015. Collection method: clinical testing. Allele origin: germline.

Ambry Genetics
Classification: Uncertain significance for Inborn genetic diseases. Last evaluated: 2024-05-10. Review status: criteria provided, single submitter. Criteria: Ambry Variant Classification Scheme 2023. Collection method: clinical testing. Allele origin: germline.

Genome-Nilou Lab
Classification: Uncertain significance for Spinocerebellar ataxia, autosomal recessive, with axonal neuropathy 2. Last evaluated: 2023-02-08. Review status: criteria provided, single submitter. Criteria: ACMG Guidelines, 2015. Collection method: clinical testing. Allele origin: germline.

Genome-Nilou Lab
Classification: Uncertain significance for Amyotrophic lateral sclerosis type 4. Last evaluated: 2023-02-08. Review status: criteria provided, single submitter. Criteria: ACMG Guidelines, 2015. Collection method: clinical testing. Allele origin: germline.

GeneDx
Classification: Uncertain significance. Last evaluated: 2022-01-19. Review status: criteria provided, single submitter. Criteria: GeneDx Variant Classification Process June 2021. Collection method: clinical testing. Allele origin: germline. Affected: yes.
Comment: In silico analysis supports that this missense variant does not alter protein structure/function; Has not been previously published as pathogenic or benign to our knowledge